The following is an entry in ClinVar:

NM_000383.4(AIRE):c.1021_1024del (p.Leu341fs)

Gene: AIRE (autoimmune regulator; plus strand). Cytogenetic location: 21q22.3.
Variant type: Microsatellite.
Coding change: c.1021_1024del on transcript NM_000383.4 (MANE Select); coding-DNA positions 1021 to 1024, 4 bases deleted (CTGC; older notation c.1021_1024delCTGC).
Protein change: p.Leu341fs; shifts the reading frame from leucine 341.
Molecular consequence: frameshift variant.
Genome position (GRCh38, 1-based): chr21:44,292,327-44,292,330, CTGC deleted; deleting any 4 consecutive bases within chr21:44,292,323-44,292,330 gives the same sequence; the c. name uses the placement nearest the transcript's 3' end. VCF-style (leftmost placement, unchanged base first): chr21-44292322-GCTGC-G. GRCh37 (hg19) VCF-style: chr21-45712205-GCTGC-G.
Other names: short protein forms L341fs.
Identifiers: ClinVar variation 5014753 (VCV005014753.1).

ClinVar aggregate classification (germline): Pathogenic (1 of 4 stars; one submission).

Conditions:
Polyglandular autoimmune syndrome, type 1 (APS1). Also called: AUTOIMMUNE POLYENDOCRINE SYNDROME, TYPE I, WITH OR WITHOUT REVERSIBLE METAPHYSEAL DYSPLASIA; APS I; HYPOADRENOCORTICISM WITH HYPOPARATHYROIDISM AND SUPERFICIAL MONILIASIS; PGA I; Autoimmune polyendocrine syndrome type 1; Whitaker syndrome. Identifiers: Orphanet 3453, MedGen C0085859, MONDO:0009411, OMIM 240300.

Submission:

Myriad Genetics, Inc.
Classification: Pathogenic for Polyglandular autoimmune syndrome, type 1. Last evaluated: 2025-07-21. Review status: criteria provided, single submitter. Criteria: Myriad Autosomal Dominant, Autosomal Recessive and X-Linked Classification Criteria (2023). Collection method: clinical testing. Allele origin: unknown.
Comment: NM_000383.3(AIRE):c.1021_1024delCTGC(L341Rfs*36) is expected to be pathogenic in the context of autoimmune polyglandular syndrome type 1. This variant is predicted to lead to an abnormal or absent protein product due to the creation of a premature termination codon in AIRE, a gene where loss-of-function variants are known to be pathogenic. Please note: this variant was assessed in the context of healthy population screening.